The following is an entry in ClinVar:

ClinVar aggregate classification (germline): Uncertain significance (1 of 4 stars; one submission).

Conditions:
Hereditary cancer-predisposing syndrome. Also called: Neoplastic Syndromes, Hereditary; Hereditary Cancer Syndrome; Tumor predisposition; Hereditary neoplastic syndrome. Identifiers: Orphanet 140162, MedGen C0027672, MeSH D009386, MONDO:0015356.

Submission:

Ambry Genetics
Classification: Uncertain significance for Hereditary cancer-predisposing syndrome. Last evaluated: 2025-03-04. Review status: criteria provided, single submitter. Criteria: Ambry Variant Classification Scheme 2023. Collection method: clinical testing. Allele origin: germline.
Comment: The p.P316S variant (also known as c.946C>T) is located in coding exon 7 of the PTCH1 gene. The proline at codon 316 is replaced by serine, an amino acid with similar properties. This change occurs in the first base pair of coding exon 7. This amino acid position is highly conserved in available vertebrate species. In addition, the in silico prediction for this alteration is inconclusive. Based on the available evidence, the clinical significance of this variant remains unclear.

NM_000264.5(PTCH1):c.946C>T (p.Pro316Ser)

Gene: PTCH1 (patched 1; minus strand). Cytogenetic location: 9q22.32.
Variant type: single nucleotide variant.
Coding change: c.946C>T on transcript NM_000264.5 (MANE Select); coding-DNA position 946, C replaced by T.
Protein change: p.Pro316Ser; replaces proline 316 with serine.
Molecular consequence: missense variant. On other transcripts: non-coding transcript variant (1).
Genome position (GRCh38, 1-based): chr9:95,480,090, G>A on the plus strand (C>T on the coding strand, the complement: PTCH1 is on the minus strand). VCF-style: chr9-95480090-G-A. GRCh37 (hg19) VCF-style: chr9-98242372-G-A.
Other names: c.748C>T, p.Pro250Ser (NM_001083602.3); c.943C>T, p.Pro315Ser (NM_001083603.3); c.493C>T, p.Pro165Ser (NM_001083604.3, NM_001083605.3, NM_001083606.3 and 1 more transcripts); c.946C>T, p.Pro316Ser (NM_001354918.2); short protein forms P316S, P315S, P250S, P165S.
Identifiers: ClinVar variation 3784661 (VCV003784661.1).
Genomic context (GRCh38, chr9:95,480,090, plus strand): 5'-GCATATACTTTCTGGATAAGCCATGACATCCACCATTCAAAACAAGGGCCATATCAAGAG[G>A]CTAAAATAAAAAGACAGCCACATAATTATGGGAATTAGTAGGCAGGTCACATGCCTTGTT-3'
Protein context (NP_000255.2, residues 306-326): ATAPNKNSTK[Pro316Ser]LDMALVLNGG